The following is an entry in ClinVar:

NM_000492.4(CFTR):c.52A>G (p.Ser18Gly)

Gene: CFTR (CF transmembrane conductance regulator; plus strand). Cytogenetic location: 7q31.2.
Variant type: single nucleotide variant.
Coding change: c.52A>G on transcript NM_000492.4 (MANE Select); coding-DNA position 52, A replaced by G.
Protein change: p.Ser18Gly; replaces serine 18 with glycine.
Molecular consequence: missense variant.
Genome position (GRCh38, 1-based): chr7:117,480,146, A>G. VCF-style: chr7-117480146-A-G. GRCh37 (hg19) VCF-style: chr7-117120200-A-G.
Other names: short protein forms S18G.
Identifiers: ClinVar variation 2573430 (VCV002573430.8), dbSNP rs748599579, ClinGen allele CA4450606.
Genomic context (GRCh38, chr7:117,480,146, plus strand): 5'-CGAGAGACCATGCAGAGGTCGCCTCTGGAAAAGGCCAGCGTTGTCTCCAAACTTTTTTTC[A>G]GGTGAGAAGGTGGCCAACCGAGCTTCGGAAAGACACGTGCCCACGAAAGAGGAGGGCGTG-3'
Protein context (NP_000483.3, residues 8-28): KASVVSKLFF[Ser18Gly]WTRPILRKGY

ClinVar aggregate classification (germline): Uncertain significance. Review status: criteria provided, multiple submitters, no conflicts (2 of 4 stars). 5 submissions from 5 submitters: Uncertain significance (5). Last evaluated 2026-06-29.

Conditions:
CFTR-related disorder (CFTR-RD). Also called: CFTR-related disorders; CFTR-related condition. Identifiers: MedGen C5924204, MONDO:7770004.
Cystic fibrosis (CF). Also called: MUCOVISCIDOSIS. Identifiers: Orphanet 586, MedGen C0010674, MONDO:0009061, OMIM 219700. Disease mechanism: loss of function.

Allele frequency attached by ClinVar (database versions not stated): TOPMed below 0.00001; ExAC 0.00002.
gnomAD v4.1: 9 of 1,613,816 alleles (0.00056%); highest among the groups gnomAD compares: Non-Finnish European, 0.00059%; no homozygotes.

Submissions (5):

Women's Health and Genetics/Laboratory Corporation of America, LabCorp
Classification: Uncertain significance. Last evaluated: 2026-06-29. Review status: criteria provided, single submitter. Criteria: LabCorp Variant Classification Summary - May 2015. Collection method: clinical testing. Allele origin: germline.
Comment: Variant summary: CFTR c.52A>G (p.Ser18Gly) results in a non-conservative amino acid change in the encoded protein sequence. Algorithms developed to predict the effect of missense changes on protein structure and function all suggest that this variant is likely to be disruptive. The variant allele was found at a frequency of 1.2e-05 in 250390 control chromosomes. The available data on variant occurrences in the general population are insufficient to allow any conclusion about variant significance. c.52A>G has been reported in the literature in individuals affected with features of Cystic Fibrosis (Castaldo_2020, Chamayou_2020, Sickkids database), and one was reported as compound heterozygous with a pathogenic variant. These report(s) do not provide unequivocal conclusions about association of the variant with Cystic Fibrosis. To our knowledge, no experimental evidence demonstrating an impact on protein function has been reported. The following publications have been ascertained in the context of this evaluation (PMID: 32784480, 32357917). ClinVar contains an entry for this variant (Variation ID: 2573430). Based on the evidence outlined above, the variant was classified as uncertain significance.

PreventionGenetics, part of Exact Sciences
Classification: Uncertain significance for CFTR-related condition. Last evaluated: 2026-05-22. Review status: criteria provided, single submitter. Criteria: ACMG Guidelines, 2015. Collection method: clinical testing. Allele origin: germline.
Comment: The CFTR c.52A>G variant is predicted to result in the amino acid substitution p.Ser18Gly. This variant occurs near the end of exon 1 and is predicted to alter splicing based on available splicing prediction programs (SpliceAI, Jaganathan et al. 2019. PubMed ID: 30661751). This variant has been reported along with c.1521_1523del (p.Phe508del) in an individual with abnormal newborn screening results in whom discordant immunoreactive trypsinogen (IRT) and sweat testing (ST) resulted in an inconclusive diagnosis (Table S2, Castaldo et al. 2020. PubMed ID: 32784480). This variant has been reported in the heterozygous state in two males undergoing infertility testing (Chamayou et al. 2020. PubMed ID: 32357917). This variant is reported in 0.0027% of alleles in individuals of European (Non-Finnish) descent in gnomAD. At this time, the clinical significance of this variant is uncertain due to the absence of conclusive functional and genetic evidence.

Dasa
Classification: Uncertain significance. Last evaluated: 2025-02-18. Review status: criteria provided, single submitter. Criteria: DASA Assertion Criteria. Collection method: clinical testing. Allele origin: germline.
Comment: NM_000492.4(CFTR):c.52A>G (p.Ser18Gly) is a missense variant that results in the substitution of serine with glycine. This variant is rare in population databases. The currently available literature and clinical evidence are not sufficient to establish a definitive association between this variant and the reported condition. Therefore, this variant is classified as a variant of uncertain significance.

Ambry Genetics
Classification: Uncertain significance for Cystic fibrosis. Last evaluated: 2024-10-07. Review status: criteria provided, single submitter. Criteria: Ambry Variant Classification Scheme 2023. Collection method: clinical testing. Allele origin: germline.
Comment: The p.S18G variant (also known as c.52A>G), located in coding exon 1 of the CFTR gene, results from an A to G substitution at nucleotide position 52. The serine at codon 18 is replaced by glycine, an amino acid with similar properties. This amino acid position is highly conserved in available vertebrate species. In addition, this alteration is predicted to be deleterious by in silico analysis. Based on the available evidence, the clinical significance of this variant remains unclear.

Labcorp Genetics (formerly Invitae), Labcorp
Classification: Uncertain significance for Cystic fibrosis. Last evaluated: 2024-01-03. Review status: criteria provided, single submitter. Criteria: Invitae Variant Classification Sherloc (09022015). Collection method: clinical testing. Allele origin: germline.
Comment: This sequence change replaces serine, which is neutral and polar, with glycine, which is neutral and non-polar, at codon 18 of the CFTR protein (p.Ser18Gly). This variant is present in population databases (rs748599579, gnomAD 0.002%). This missense change has been observed in individual(s) with CFTR-related conditions (PMID: 32357917, 32784480). ClinVar contains an entry for this variant (Variation ID: 2573430). An algorithm developed to predict the effect of missense changes on protein structure and function (PolyPhen-2) suggests that this variant¬†is likely to be tolerated. Algorithms developed to predict the effect of sequence changes on RNA splicing suggest that this variant may disrupt the consensus splice site. In summary, the available evidence is currently insufficient to determine the role of this variant in disease. Therefore, it has been classified as a Variant of Uncertain Significance.

Literature cited by the submitters: PubMed 32357917 (cited by Women's Health and Genetics/Laboratory Corporation of America, LabCorp and Labcorp Genetics (formerly Invitae), Labcorp); PubMed 32784480 (cited by Women's Health and Genetics/Laboratory Corporation of America, LabCorp and Labcorp Genetics (formerly Invitae), Labcorp).